The following is an entry in ClinVar:

NM_006059.4(LAMC3):c.2771C>T (p.Ser924Phe)

Gene: LAMC3 (laminin subunit gamma 3; plus strand). Cytogenetic location: 9q34.12.
Variant type: single nucleotide variant.
Coding change: c.2771C>T on transcript NM_006059.4 (MANE Select); coding-DNA position 2771, C replaced by T.
Protein change: p.Ser924Phe; replaces serine 924 with phenylalanine.
Molecular consequence: missense variant.
Genome position (GRCh38, 1-based): chr9:131,068,931, C>T. VCF-style: chr9-131068931-C-T. GRCh37 (hg19) VCF-style: chr9-133944318-C-T.
Other names: short protein forms S924F.
Identifiers: ClinVar variation 1903022 (VCV001903022.4), dbSNP rs1172194138, ClinGen allele CA375254573.
Genomic context (GRCh38, chr9:131,068,931, plus strand): 5'-GAGCTTGCCTCAGACCCAGTTCCTTCCCTGATCACAGCTGCAAGTGTCACCCACTGGGCT[C>T]CCAGGAGGACCAGTGCCATCCCAAGACTGGACAGTGCACCTGCCGCCCAGGTGTCACAGG-3'
Protein context (NP_006050.3, residues 914-934): CRSCKCHPLG[Ser924Phe]QEDQCHPKTG

ClinVar aggregate classification (germline): Uncertain significance (1 of 4 stars; one submission).

Allele frequency attached by ClinVar (database versions not stated): gnomAD 0.00001; gnomAD exomes 0.00001.
gnomAD v4.1: 10 of 1,613,942 alleles (0.00062%); highest among the groups gnomAD compares: Non-Finnish European, 0.00085%; no homozygotes.

Submission:

Labcorp Genetics (formerly Invitae), Labcorp
Classification: Uncertain significance. Last evaluated: 2021-12-25. Review status: criteria provided, single submitter. Criteria: Invitae Variant Classification Sherloc (09022015). Collection method: clinical testing. Allele origin: germline.
Comment: This sequence change replaces serine, which is neutral and polar, with phenylalanine, which is neutral and non-polar, at codon 924 of the LAMC3 protein (p.Ser924Phe). This variant is present in population databases (no rsID available, gnomAD 0.0009%). This variant has not been reported in the literature in individuals affected with LAMC3-related conditions. Algorithms developed to predict the effect of missense changes on protein structure and function are either unavailable or do not agree on the potential impact of this missense change (SIFT: "Deleterious"; PolyPhen-2: "Probably Damaging"; Align-GVGD: "Class C15"). In summary, the available evidence is currently insufficient to determine the role of this variant in disease. Therefore, it has been classified as a Variant of Uncertain Significance.